The following is an entry in ClinVar:

ClinVar aggregate classification (germline): Uncertain significance (1 of 4 stars; one submission).

Allele frequency attached by ClinVar (database versions not stated): gnomAD exomes below 0.00001; TOPMed 0.00001.
gnomAD v4.1: 2 of 1,613,980 alleles (0.00012%); highest among the groups gnomAD compares: Non-Finnish European, 0.00017%; no homozygotes.

Submission:

Ambry Genetics
Classification: Uncertain significance. Last evaluated: 2021-06-23. Review status: criteria provided, single submitter. Criteria: Ambry Variant Classification Scheme 2023. Collection method: clinical testing. Allele origin: germline.
Comment: The p.L811Q variant (also known as c.2432T>A), located in coding exon 14 of the PKP4 gene, results from a T to A substitution at nucleotide position 2432. The leucine at codon 811 is replaced by glutamine, an amino acid with dissimilar properties. This amino acid position is conserved. In addition, the in silico prediction for this alteration is inconclusive. Since supporting evidence is limited at this time, the clinical significance of this alteration remains unclear.

NM_003628.6(PKP4):c.2432T>A (p.Leu811Gln)

Genes: PKP4 (plakophilin 4; plus strand), PKP4-AS1 (PKP4 antisense RNA 1; minus strand). Cytogenetic location: 2q24.1.
Variant type: single nucleotide variant.
Coding change: c.2432T>A on transcript NM_003628.6 (MANE Select); coding-DNA position 2432, T replaced by A.
Protein change: p.Leu811Gln; replaces leucine 811 with glutamine.
Molecular consequence: missense variant.
Genome position (GRCh38, 1-based): chr2:158,663,300, T>A. VCF-style: chr2-158663300-T-A. GRCh37 (hg19) VCF-style: chr2-159519812-T-A.
Other names: c.2432T>A, p.Leu811Gln (NM_001005476.4, NM_001304971.2, NM_001377218.1 and 1 more transcripts); c.2429T>A, p.Leu810Gln (NM_001304969.3, NM_001377219.1, NM_001377220.1 and 2 more transcripts); c.1403T>A, p.Leu468Gln (NM_001304970.3); c.2426T>A, p.Leu809Gln (NM_001377222.1, NM_001377223.1); c.2423T>A, p.Leu808Gln (NM_001377224.1); short protein forms L810Q, L811Q, L468Q, L808Q, L809Q.
Identifiers: ClinVar variation 1791183 (VCV001791183.2), dbSNP rs1379451791, ClinGen allele CA348903065.